The following is an entry in ClinVar:

ClinVar aggregate classification (germline): Benign. Review status: criteria provided, multiple submitters, no conflicts (2 of 4 stars). 3 submissions from 3 submitters: Benign (3). Last evaluated 2026-02-02.

Conditions:
LAMA2-related muscular dystrophy (LAMA2-RD). Also called: Laminin alpha 2-related dystrophy. Identifiers: MedGen C5679788, MONDO:0100228.

Allele frequency attached by ClinVar (database versions not stated): gnomAD exomes 0.00218 and 0.00588; ExAC 0.00876; gnomAD 0.02270 and 0.02430; TOPMed 0.02493; 1000 Genomes Project 0.02516; 1000 Genomes Project 30x 0.02577; ESP Exome Variant Server 0.02615.
gnomAD v4.1: 6,670 of 1,547,562 alleles (0.43%); highest among the groups gnomAD compares: African/African-American, 8%; 239 homozygotes.

Submissions (3):

Labcorp Genetics (formerly Invitae), Labcorp
Classification: Benign for LAMA2-related muscular dystrophy. Last evaluated: 2026-02-02. Review status: criteria provided, single submitter. Criteria: Invitae Variant Classification Sherloc (09022015). Collection method: clinical testing. Allele origin: germline.

GeneDx
Classification: Benign. Last evaluated: 2016-04-22. Review status: criteria provided, single submitter. Criteria: GeneDx Variant Classification (06012015). Collection method: clinical testing. Allele origin: germline. Affected: yes.
Comment: This variant is considered likely benign or benign based on one or more of the following criteria: it is a conservative change, it occurs at a poorly conserved position in the protein, it is predicted to be benign by multiple in silico algorithms, and/or has population frequency not consistent with disease.

PreventionGenetics, part of Exact Sciences
Classification: Benign. Review status: criteria provided, single submitter. Criteria: ACMG Guidelines, 2015. Collection method: clinical testing. Allele origin: germline.

NM_000426.4(LAMA2):c.5071+18A>G

Gene: LAMA2 (laminin subunit alpha 2; plus strand). Cytogenetic location: 6q22.33.
Variant type: single nucleotide variant.
Coding change: c.5071+18A>G on transcript NM_000426.4 (MANE Select); 18 bases into the intron after coding-DNA position 5071, A replaced by G.
Molecular consequence: intron variant.
Genome position (GRCh38, 1-based): chr6:129,383,251, A>G. VCF-style: chr6-129383251-A-G. GRCh37 (hg19) VCF-style: chr6-129704396-A-G.
Other names: c.5071+18A>G (NM_001079823.2).
Identifiers: ClinVar variation 256073 (VCV000256073.10), dbSNP rs73591259, ClinGen allele CA3993763.